The following is an entry in ClinVar:

ClinVar aggregate classification (germline): Pathogenic (1 of 4 stars; one submission).

Conditions:
Mowat-Wilson syndrome (MOWS). Also called: Classic Mowat-Wilson Syndrome. Identifiers: Orphanet 2152, MedGen C1856113, MONDO:0009341, OMIM 235730.

Submission:

Labcorp Genetics (formerly Invitae), Labcorp
Classification: Pathogenic for Mowat-Wilson syndrome. Last evaluated: 2019-04-19. Review status: criteria provided, single submitter. Criteria: Invitae Variant Classification Sherloc (09022015). Collection method: clinical testing. Allele origin: germline.
Comment: This sequence change creates a premature translational stop signal (p.Ser360Tyrfs*2) in the ZEB2 gene. It is expected to result in an absent or disrupted protein product. This variant is not present in population databases (ExAC no frequency). Loss-of-function variants in ZEB2 are known to be pathogenic (PMID: 16053902). For these reasons, this variant has been classified as Pathogenic.

Literature cited by the submitters: PubMed 16053902 (cited by Labcorp Genetics (formerly Invitae), Labcorp).

NM_014795.4(ZEB2):c.1077_1081del (p.Ser360fs)

Gene: ZEB2 (zinc finger E-box binding homeobox 2; minus strand). Cytogenetic location: 2q22.3.
Variant type: Deletion.
Coding change: c.1077_1081del on transcript NM_014795.4 (MANE Select); coding-DNA positions 1077 to 1081, 5 bases deleted (TTCTC; older notation c.1077_1081delTTCTC).
Protein change: p.Ser360fs; shifts the reading frame from serine 360.
Molecular consequence: frameshift variant.
Genome position (GRCh38, 1-based): chr2:144,400,106-144,400,110, GAGAA deleted on the plus strand (TTCTC on the coding strand, the reverse complement: ZEB2 is on the minus strand); deleting any 5 consecutive bases within chr2:144,400,106-144,400,112 gives the same sequence; the c. name uses the placement nearest the transcript's 3' end. VCF-style (leftmost placement, unchanged base first): chr2-144400105-GGAGAA-G. GRCh37 (hg19) VCF-style: chr2-145157672-GGAGAA-G.
Other names: c.1005_1009del, p.Ser336fs (NM_001171653.2); short protein forms S336fs, S360fs.
Identifiers: ClinVar variation 947462 (VCV000947462.11), dbSNP rs1703290664, ClinGen allele CA1139655632.